The following is an entry in ClinVar:

ClinVar aggregate classification (germline): Likely benign (1 of 4 stars; one submission).

Conditions:
ADGRG4-related disorder. Also called: ADGRG4-related condition.

gnomAD v4.1: 225 of 1,207,569 alleles (0.019%); highest among the groups gnomAD compares: South Asian, 0.37%; 2 homozygotes.

Submission:

PreventionGenetics, part of Exact Sciences
Classification: Likely benign for ADGRG4-related condition. Last evaluated: 2025-04-02. Review status: criteria provided, single submitter. Criteria: ACMG Guidelines, 2015. Collection method: clinical testing. Allele origin: germline.
Comment: This variant is classified as likely benign based on ACMG/AMP sequence variant interpretation guidelines (Richards et al. 2015 PMID: 25741868, with internal and published modifications).

NM_153834.4(ADGRG4):c.3843G>T (p.Lys1281Asn)

Gene: ADGRG4 (adhesion G protein-coupled receptor G4; plus strand). Cytogenetic location: Xq26.3.
Variant type: single nucleotide variant.
Coding change: c.3843G>T on transcript NM_153834.4 (MANE Select); coding-DNA position 3843, G replaced by T.
Protein change: p.Lys1281Asn; replaces lysine 1281 with asparagine.
Molecular consequence: missense variant.
Genome position (GRCh38, 1-based): chrX:136,347,549, G>T. VCF-style: chrX-136347549-G-T. GRCh37 (hg19) VCF-style: chrX-135429708-G-T.
Other names: short protein forms K1281N.
Identifiers: ClinVar variation 4984286 (VCV004984286.1).